The following is an entry in ClinVar:

NM_006946.4(SPTBN2):c.207G>A (p.Ser69=)

Gene: SPTBN2 (spectrin beta, non-erythrocytic 2; minus strand). Cytogenetic location: 11q13.2.
Variant type: single nucleotide variant.
Coding change: c.207G>A on transcript NM_006946.4 (MANE Select); coding-DNA position 207, G replaced by A.
Protein change: p.Ser69=; no amino-acid change (serine 69 retained).
Molecular consequence: synonymous variant.
Genome position (GRCh38, 1-based): chr11:66,715,932, C>T on the plus strand (G>A on the coding strand, the complement: SPTBN2 is on the minus strand). VCF-style: chr11-66715932-C-T. GRCh37 (hg19) VCF-style: chr11-66483403-C-T.
Other names: c.228G>A, p.Ser76= (NM_001411025.1); c.207G>A, p.Ser69= (NM_001437541.1).
Identifiers: ClinVar variation 4682408 (VCV004682408.2).
Genomic context (GRCh38, chr11:66,715,932, plus strand): 5'-GCGTCCGTCCCGGAGGTCGCTGTACAGGTCCCCCACCCGGCACGTGACCCGGGCCAGGTG[C>T]GAGTTTACCCACTTGGTGAAGGTTTTCTTCTGCACAGCTTCTCGTTCATCTGTGGTGGCA-3'
Protein context (NP_008877.2, residues 59-79): QKKTFTKWVN[Ser69=]HLARVTCRVG

ClinVar aggregate classification (germline): Likely benign. Review status: criteria provided, multiple submitters, no conflicts (2 of 4 stars). 2 submissions from 2 submitters: Likely benign (2). Last evaluated 2025-08-04.

gnomAD v4.1: 30 of 1,613,990 alleles (0.0019%); highest among the groups gnomAD compares: Non-Finnish European, 0.0015%; no homozygotes.

Submissions (2):

Athena Diagnostics
Classification: Likely benign. Last evaluated: 2025-08-04. Review status: criteria provided, single submitter. Criteria: Athena Diagnostics Criteria. Collection method: clinical testing. Allele origin: unknown.
Comment: Computational tools yielded predictions that this variant is unlikely to have an effect on normal RNA splicing. This nucleotide position exhibits low evolutionary conservation.

Blueprint Genetics
Classification: Likely benign. Last evaluated: 2022-06-08. Review status: criteria provided, single submitter. Criteria: ACMG Guidelines, 2015. Collection method: clinical testing. Allele origin: germline.